The following is an entry in ClinVar:

NM_182961.4(SYNE1):c.21251A>G (p.Asn7084Ser)

Gene: SYNE1 (spectrin repeat containing nuclear envelope protein 1; minus strand). Cytogenetic location: 6q25.2.
Variant type: single nucleotide variant.
Coding change: c.21251A>G on transcript NM_182961.4 (MANE Select); coding-DNA position 21251, A replaced by G.
Protein change: p.Asn7084Ser; replaces asparagine 7084 with serine.
Molecular consequence: missense variant.
Genome position (GRCh38, 1-based): chr6:152,225,821, T>C on the plus strand (A>G on the coding strand, the complement: SYNE1 is on the minus strand). VCF-style: chr6-152225821-T-C. GRCh37 (hg19) VCF-style: chr6-152546956-T-C.
Other names: c.21038A>G, p.Asn7013Ser (NM_033071.5); short protein forms N7084S, N7013S.
Identifiers: ClinVar variation 2161915 (VCV002161915.4), dbSNP rs2551544953, ClinGen allele CA366109669.
Genomic context (GRCh38, chr6:152,225,821, plus strand): 5'-AGTGTGCTCATGACAATGCTAGAGACGTCTTCTTTCTTGTTCTGAATCAAAGCAAGTCCA[T>C]TCTGCTCAATTTTCTCTACTTCTTTTTCTTTTGCTTTAATCAAATCTTCCAGATCCTGAA-3'
Protein context (NP_892006.3, residues 7074-7094): KEKEVEKIEQ[Asn7084Ser]GLALIQNKKE

ClinVar aggregate classification (germline): Uncertain significance. Review status: criteria provided, multiple submitters, no conflicts (2 of 4 stars). 2 submissions from 2 submitters: Uncertain significance (2). Last evaluated 2024-03-01.

Conditions:
Autosomal recessive ataxia, Beauce type. Also called: SYNE1-Related Autosomal Recessive Cerebellar Ataxia; Spinocerebellar ataxia, autosomal recessive 8; ATAXIA, RECESSIVE, OF BEAUCE; SYNE1 Deficiency. Identifiers: Orphanet 88644, MedGen C1853116, MONDO:0012549, OMIM 610743.
Emery-Dreifuss muscular dystrophy 4, autosomal dominant (EDMD4). Also called: EMERY-DREIFUSS MUSCULAR DYSTROPHY 4 WITH VARIABLE FEATURES. Identifiers: Orphanet 261, MedGen C2751807, MONDO:0013071, OMIM 612998.

gnomAD v4.1: 3 of 1,614,064 alleles (0.00019%); highest among the groups gnomAD compares: South Asian, 0.0022%; no homozygotes.

Submissions (2):

Revvity Omics, Revvity
Classification: Uncertain significance. Last evaluated: 2024-03-01. Review status: criteria provided, single submitter. Criteria: ACMG Guidelines, 2015. Collection method: clinical testing. Allele origin: germline.

Labcorp Genetics (formerly Invitae), Labcorp
Classification: Uncertain significance for Emery-Dreifuss muscular dystrophy 4, autosomal dominant; Autosomal recessive ataxia, Beauce type. Last evaluated: 2024-02-17. Review status: criteria provided, single submitter. Criteria: Invitae Variant Classification Sherloc (09022015). Collection method: clinical testing. Allele origin: germline.
Comment: This sequence change replaces asparagine, which is neutral and polar, with serine, which is neutral and polar, at codon 7013 of the SYNE1 protein (p.Asn7013Ser). This variant is not present in population databases (gnomAD no frequency). This variant has not been reported in the literature in individuals affected with SYNE1-related conditions. ClinVar contains an entry for this variant (Variation ID: 2161915). Algorithms developed to predict the effect of missense changes on protein structure and function output the following: SIFT: "Not Available"; PolyPhen-2: "Benign"; Align-GVGD: "Not Available". The serine amino acid residue is found in multiple mammalian species, which suggests that this missense change does not adversely affect protein function. In summary, the available evidence is currently insufficient to determine the role of this variant in disease. Therefore, it has been classified as a Variant of Uncertain Significance.